The following is an entry in ClinVar:

ClinVar aggregate classification (germline): Uncertain significance (1 of 4 stars; one submission).

Conditions:
Encephalopathy, acute, infection-induced (herpes-specific), susceptibility to, 6. Also called: Herpes simplex encephalitis, susceptibility to, 4. Identifiers: Orphanet 1930, MedGen C3553869, MONDO:0013921, OMIM 614850.

Allele frequency attached by ClinVar (database versions not stated): gnomAD exomes below 0.00001.
gnomAD v4.1: 3 of 1,614,090 alleles (0.00019%); highest among the groups gnomAD compares: East Asian, 0.0022%; no homozygotes.

Submission:

Labcorp Genetics (formerly Invitae), Labcorp
Classification: Uncertain significance for Encephalopathy, acute, infection-induced (herpes-specific), susceptibility to, 6. Last evaluated: 2022-02-08. Review status: criteria provided, single submitter. Criteria: Invitae Variant Classification Sherloc (09022015). Collection method: clinical testing. Allele origin: germline.
Comment: This sequence change replaces alanine, which is neutral and non-polar, with valine, which is neutral and non-polar, at codon 563 of the TICAM1 protein (p.Ala563Val). This variant is present in population databases (no rsID available, gnomAD 0.006%). This variant has not been reported in the literature in individuals affected with TICAM1-related conditions. ClinVar contains an entry for this variant (Variation ID: 1058464). Algorithms developed to predict the effect of missense changes on protein structure and function output the following: SIFT: "Tolerated"; PolyPhen-2: "Benign"; Align-GVGD: "Class C0". The valine amino acid residue is found in multiple mammalian species, which suggests that this missense change does not adversely affect protein function. Algorithms developed to predict the effect of sequence changes on RNA splicing suggest that this variant may create or strengthen a splice site. In summary, the available evidence is currently insufficient to determine the role of this variant in disease. Therefore, it has been classified as a Variant of Uncertain Significance.

NM_182919.4(TICAM1):c.1688C>T (p.Ala563Val)

Gene: TICAM1 (TIR domain containing adaptor molecule 1; minus strand). Cytogenetic location: 19p13.3.
Variant type: single nucleotide variant.
Coding change: c.1688C>T on transcript NM_182919.4 (MANE Select); coding-DNA position 1688, C replaced by T.
Protein change: p.Ala563Val; replaces alanine 563 with valine.
Molecular consequence: missense variant.
Genome position (GRCh38, 1-based): chr19:4,816,690, G>A on the plus strand (C>T on the coding strand, the complement: TICAM1 is on the minus strand). VCF-style: chr19-4816690-G-A. GRCh37 (hg19) VCF-style: chr19-4816702-G-A.
Other names: c.1646C>T, p.Ala549Val (NM_001385678.1); c.1553C>T, p.Ala518Val (NM_001385679.1); c.1046C>T, p.Ala349Val (NM_001385680.1); short protein forms A349V, A518V, A549V, A563V.
Identifiers: ClinVar variation 1058464 (VCV001058464.9), dbSNP rs1427361110, ClinGen allele CA403489042.